The following is an entry in ClinVar:

NM_002076.4(GNS):c.1309-12A>G

Gene: GNS (glucosamine (N-acetyl)-6-sulfatase; minus strand). Cytogenetic location: 12q14.3.
Variant type: single nucleotide variant.
Coding change: c.1309-12A>G on transcript NM_002076.4 (MANE Select); 12 bases into the intron before coding-DNA position 1309, A replaced by G.
Molecular consequence: intron variant.
Genome position (GRCh38, 1-based): chr12:64,721,717, T>C on the plus strand (A>G on the coding strand, the complement: GNS is on the minus strand). VCF-style: chr12-64721717-T-C. GRCh37 (hg19) VCF-style: chr12-65115497-T-C.
Identifiers: ClinVar variation 1521740 (VCV001521740.3), dbSNP rs376318831, ClinGen allele CA6669689.
Genomic context (GRCh38, chr12:64,721,717, plus strand): 5'-CATAGGTATTGTTATAAGCATCTTCACATACACAGTCTGGGAAGCATTGCTGTAGGGATA[T>C]TTCAAAAGTTAAATGAAGACAGTTCTTCCATAGTAACAAATACCTAGTTGCCTAGAAGGG-3'

ClinVar aggregate classification (germline): Uncertain significance (1 of 4 stars; one submission).

Conditions:
Mucopolysaccharidosis, MPS-III-D (MPS3D). Also called: N-ACETYLGLUCOSAMINE-6-SULFATASE DEFICIENCY; SANFILIPPO SYNDROME D; MPS III D; Mucopoly-saccharidosis type 3D; N-acetylglucosamine-6-sulfate sulfatase deficiency; MPS 3D. Identifiers: Orphanet 581, Orphanet 79272, MedGen C0086650, MONDO:0009658, OMIM 252940.

Allele frequency attached by ClinVar (database versions not stated): ExAC 0.00002; gnomAD exomes 0.00002; ESP Exome Variant Server 0.00008; TOPMed 0.00002; gnomAD 0.00004.
gnomAD v4.1: 118 of 1,286,548 alleles (0.0092%); highest among the groups gnomAD compares: Non-Finnish European, 0.013%; no homozygotes.

Submission:

Labcorp Genetics (formerly Invitae), Labcorp
Classification: Uncertain significance for Mucopolysaccharidosis, MPS-III-D. Last evaluated: 2022-08-23. Review status: criteria provided, single submitter. Criteria: Invitae Variant Classification Sherloc (09022015). Collection method: clinical testing. Allele origin: germline.
Comment: This sequence change falls in intron 11 of the GNS gene. It does not directly change the encoded amino acid sequence of the GNS protein. This variant is present in population databases (rs376318831, gnomAD 0.004%). This variant has not been reported in the literature in individuals affected with GNS-related conditions. ClinVar contains an entry for this variant (Variation ID: 1521740). Algorithms developed to predict the effect of sequence changes on RNA splicing suggest that this variant may disrupt the consensus splice site. In summary, the available evidence is currently insufficient to determine the role of this variant in disease. Therefore, it has been classified as a Variant of Uncertain Significance.